The following is an entry in ClinVar:

NM_015915.5(ATL1):c.522+154G>A

Gene: ATL1 (atlastin GTPase 1; plus strand). Cytogenetic location: 14q22.1.
Variant type: single nucleotide variant.
Coding change: c.522+154G>A on transcript NM_015915.5 (MANE Select); 154 bases into the intron after coding-DNA position 522, G replaced by A.
Molecular consequence: intron variant.
Genome position (GRCh38, 1-based): chr14:50,591,793, G>A. VCF-style: chr14-50591793-G-A. GRCh37 (hg19) VCF-style: chr14-51058511-G-A.
Other names: c.522+154G>A (NM_001127713.1, NM_181598.4).
Identifiers: ClinVar variation 673420 (VCV000673420.2), dbSNP rs2934683, ClinGen allele CA13991633.

ClinVar aggregate classification (germline): Benign. Review status: criteria provided, multiple submitters, no conflicts (2 of 4 stars). 2 submissions from 2 submitters: Benign (2). Last evaluated 2018-06-14.

Allele frequency attached by ClinVar (database versions not stated): 1000 Genomes Project 0.27057; 1000 Genomes Project 30x 0.28076; gnomAD 0.28655; TOPMed 0.29957.
gnomAD v4.1: 124,729 of 602,066 alleles (21%); highest among the groups gnomAD compares: African/African-American, 57%; 17,446 homozygotes.

Submissions (2):

GeneDx
Classification: Benign. Last evaluated: 2018-06-14. Review status: criteria provided, single submitter. Criteria: GeneDx Variant Classification (06012015). Collection method: clinical testing. Allele origin: germline. Affected: yes.
Comment: This variant is considered likely benign or benign based on one or more of the following criteria: it is a conservative change, it occurs at a poorly conserved position in the protein, it is predicted to be benign by multiple in silico algorithms, and/or has population frequency not consistent with disease.

Breakthrough Genomics
Classification: Benign. Review status: criteria provided, single submitter. Criteria: ACMG Guidelines, 2015. Collection method: not provided. Allele origin: germline. Inheritance: Autosomal dominant inheritance. Affected: yes.